The following is an entry in ClinVar:

ClinVar aggregate classification (germline): Uncertain significance (1 of 4 stars; one submission).

Allele frequency attached by ClinVar (database versions not stated): gnomAD exomes 0.00001.

Submission:

Labcorp Genetics (formerly Invitae), Labcorp
Classification: Uncertain significance. Last evaluated: 2022-05-03. Review status: criteria provided, single submitter. Criteria: Invitae Variant Classification Sherloc (09022015). Collection method: clinical testing. Allele origin: germline.
Comment: This sequence change replaces glutamic acid, which is acidic and polar, with lysine, which is basic and polar, at codon 259 of the FLAD1 protein (p.Glu259Lys). This variant is not present in population databases (gnomAD no frequency). This variant has not been reported in the literature in individuals affected with FLAD1-related conditions. Algorithms developed to predict the effect of missense changes on protein structure and function (SIFT, PolyPhen-2, Align-GVGD) all suggest that this variant is likely to be tolerated. In summary, the available evidence is currently insufficient to determine the role of this variant in disease. Therefore, it has been classified as a Variant of Uncertain Significance.

NM_025207.5(FLAD1):c.775G>A (p.Glu259Lys)

Gene: FLAD1 (flavin adenine dinucleotide synthetase 1; plus strand). Cytogenetic location: 1q21.3.
Variant type: single nucleotide variant.
Coding change: c.775G>A on transcript NM_025207.5 (MANE Select); coding-DNA position 775, G replaced by A.
Protein change: p.Glu259Lys; replaces glutamic acid 259 with lysine.
Molecular consequence: missense variant.
Genome position (GRCh38, 1-based): chr1:154,988,507, G>A. VCF-style: chr1-154988507-G-A. GRCh37 (hg19) VCF-style: chr1-154960983-G-A.
Other names: c.484G>A, p.Glu162Lys (NM_001184891.2, NM_201398.3); c.478G>A, p.Glu160Lys (NM_001184892.2); short protein forms E162K, E160K, E259K.
Identifiers: ClinVar variation 2077696 (VCV002077696.1), dbSNP rs989269955, ClinGen allele CA30905692.